The following is an entry in ClinVar:

ClinVar aggregate classification (germline): Uncertain significance (1 of 4 stars; one submission).

Allele frequency attached by ClinVar (database versions not stated): ExAC 0.00001.
gnomAD v4.1: 21 of 1,605,190 alleles (0.0013%); highest among the groups gnomAD compares: Admixed American, 0.0033%; no homozygotes.

Submission:

GeneDx
Classification: Uncertain significance. Last evaluated: 2022-03-03. Review status: criteria provided, single submitter. Criteria: GeneDx Variant Classification Process June 2021. Collection method: clinical testing. Allele origin: germline. Affected: yes.
Comment: Not observed at significant frequency in large population cohorts (gnomAD); In silico analysis supports that this missense variant does not alter protein structure/function; Has not been previously published as pathogenic or benign to our knowledge

NM_000601.6(HGF):c.754G>A (p.Asp252Asn)

Gene: HGF (hepatocyte growth factor; minus strand). Cytogenetic location: 7q21.11.
Variant type: single nucleotide variant.
Coding change: c.754G>A on transcript NM_000601.6 (MANE Select); coding-DNA position 754, G replaced by A.
Protein change: p.Asp252Asn; replaces aspartic acid 252 with asparagine.
Molecular consequence: missense variant.
Genome position (GRCh38, 1-based): chr7:81,743,464, C>T on the plus strand (G>A on the coding strand, the complement: HGF is on the minus strand). VCF-style: chr7-81743464-C-T. GRCh37 (hg19) VCF-style: chr7-81372780-C-T.
Other names: c.754G>A, p.Asp252Asn (NM_001010931.3); c.739G>A, p.Asp247Asn (NM_001010932.3, NM_001010933.3); short protein forms D247N, D252N.
Identifiers: ClinVar variation 1703989 (VCV001703989.2), dbSNP rs752123971, ClinGen allele CA4317120.